The following is an entry in ClinVar:

ClinVar aggregate classification (germline): Uncertain significance (1 of 4 stars; one submission).

Conditions:
NRP1-related disorder. Also called: NRP1-related condition.

gnomAD v4.1: 29 of 1,613,984 alleles (0.0018%); highest among the groups gnomAD compares: Middle Eastern, 0.016%; no homozygotes.

Submission:

PreventionGenetics, part of Exact Sciences
Classification: Uncertain significance for NRP1-related condition. Last evaluated: 2026-06-29. Review status: criteria provided, single submitter. Criteria: ACMG Guidelines, 2015. Collection method: clinical testing. Allele origin: germline.
Comment: The NRP1 c.1679G>A variant is predicted to result in the amino acid substitution p.Arg560Gln. To our knowledge, this variant has not been reported in the literature. This variant is reported in 0.0054% of alleles in individuals of East Asian descent in gnomAD. At this time, the clinical significance of this variant is uncertain due to the absence of conclusive functional and genetic evidence.

NM_003873.7(NRP1):c.1679G>A (p.Arg560Gln)

Gene: NRP1 (neuropilin 1; minus strand). Cytogenetic location: 10p11.22.
Variant type: single nucleotide variant.
Coding change: c.1679G>A on transcript NM_003873.7 (MANE Select); coding-DNA position 1679, G replaced by A.
Protein change: p.Arg560Gln; replaces arginine 560 with glutamine.
Molecular consequence: missense variant. On other transcripts: non-coding transcript variant (1).
Genome position (GRCh38, 1-based): chr10:33,207,652, C>T on the plus strand (G>A on the coding strand, the complement: NRP1 is on the minus strand). VCF-style: chr10-33207652-C-T. GRCh37 (hg19) VCF-style: chr10-33496580-C-T.
Other names: c.1679G>A, p.Arg560Gln (NM_001024628.3, NM_001024629.3, NM_001244972.2 and 2 more transcripts); short protein forms R560Q.
Identifiers: ClinVar variation 4980815 (VCV004980815.1).